The following is an entry in ClinVar:

NM_015340.4(LARS2):c.1131C>T (p.Pro377=)

Genes: LARS2 (leucyl-tRNA synthetase 2, mitochondrial; plus strand), LARS2-AS1 (LARS2 antisense RNA 1; minus strand). Cytogenetic location: 3p21.31.
Variant type: single nucleotide variant.
Coding change: c.1131C>T on transcript NM_015340.4 (MANE Select); coding-DNA position 1131, C replaced by T.
Protein change: p.Pro377=; no amino-acid change (proline 377 retained).
Molecular consequence: synonymous variant.
Genome position (GRCh38, 1-based): chr3:45,488,704, C>T. VCF-style: chr3-45488704-C-T. GRCh37 (hg19) VCF-style: chr3-45530196-C-T.
Other names: c.1131C>T, p.Pro377= (NM_001368263.1).
Identifiers: ClinVar variation 226692 (VCV000226692.20), dbSNP rs144183054, ClinGen allele CA2349529.

ClinVar aggregate classification (germline): Benign. Review status: criteria provided, multiple submitters, no conflicts (2 of 4 stars). 7 submissions from 7 submitters: Benign (5). 2 of the submissions do not count toward it. Last evaluated 2026-02-03.

Conditions:
LARS2-related disorder. Also called: LARS2-related condition.

Allele frequency attached by ClinVar (database versions not stated): ESP Exome Variant Server 0.00085; 1000 Genomes Project 0.00978; 1000 Genomes Project 30x 0.01093; gnomAD 0.00518 and 0.00529; TOPMed 0.01071.
gnomAD v4.1: 4,972 of 1,601,306 alleles (0.31%); highest among the groups gnomAD compares: Admixed American, 7.6%; 228 homozygotes.

Submissions (7):

Labcorp Genetics (formerly Invitae), Labcorp
Classification: Benign. Last evaluated: 2026-02-03. Review status: criteria provided, single submitter. Criteria: Invitae Variant Classification Sherloc (09022015). Collection method: clinical testing. Allele origin: germline.

Athena Diagnostics
Classification: Benign. Last evaluated: 2018-11-12. Review status: criteria provided, single submitter. Criteria: Athena Diagnostics Criteria. Collection method: clinical testing. Allele origin: germline.

GeneDx
Classification: Benign. Last evaluated: 2016-02-12. Review status: criteria provided, single submitter. Criteria: GeneDx Variant Classification (06012015). Collection method: clinical testing. Allele origin: germline. Affected: yes.
Comment: This variant is considered likely benign or benign based on one or more of the following criteria: it is a conservative change, it occurs at a poorly conserved position in the protein, it is predicted to be benign by multiple in silico algorithms, and/or has population frequency not consistent with disease.

Laboratory for Molecular Medicine, Mass General Brigham Personalized Medicine
Classification: Benign. Last evaluated: 2014-11-24. Review status: criteria provided, single submitter. Criteria: LMM Criteria. Collection method: clinical testing. Allele origin: germline. Observed: 28 variant alleles.
Comment: Pro377Pro in exon 12 of LARS2: This variant is not expected to have clinical sig nificance because it does not alter an amino acid residue and is not located wit hin the splice consensus sequence. It has been identified in 9.1% (12/132) of Me xican chromosomes from a broad population by the 1000 Genomes Project (w.; dbSNP rs144183054).

Breakthrough Genomics
Classification: Benign. Review status: criteria provided, single submitter. Criteria: ACMG Guidelines, 2015. Collection method: not provided. Allele origin: germline. Inheritance: Autosomal recessive inheritance. Affected: yes.

PreventionGenetics, part of Exact Sciences
Classification: Benign for LARS2-related condition. Last evaluated: 2019-09-04. Review status: no assertion criteria provided. Collection method: clinical testing. Allele origin: germline. Not counted in ClinVar's aggregate classification.
Comment: This variant is classified as benign based on ACMG/AMP sequence variant interpretation guidelines (Richards et al. 2015 PMID: 25741868, with internal and published modifications).

Mayo Clinic Laboratories, Mayo Clinic
Classification: Benign. Last evaluated: 2017-10-25. Review status: no assertion criteria provided. Collection method: clinical testing. Allele origin: unknown. Not counted in ClinVar's aggregate classification.